The following is an entry in ClinVar:

ClinVar aggregate classification (germline): Benign (0 of 4 stars; one submission).

Conditions:
CUL9-related disorder. Also called: CUL9-related condition.

Allele frequency attached by ClinVar (database versions not stated): ExAC 0.22588; ESP Exome Variant Server 0.29129; gnomAD 0.29142; TOPMed 0.31642; 1000 Genomes Project 0.35304; 1000 Genomes Project 30x 0.35853.
gnomAD v4.1: 305,650 of 1,611,420 alleles (19%); highest among the groups gnomAD compares: African/African-American, 57%; 37,005 homozygotes.

Submission:

PreventionGenetics, part of Exact Sciences
Classification: Benign for CUL9-related condition. Last evaluated: 2019-10-28. Review status: no assertion criteria provided. Collection method: clinical testing. Allele origin: germline.
Comment: This variant is classified as benign based on ACMG/AMP sequence variant interpretation guidelines (Richards et al. 2015 PMID: 25741868, with internal and published modifications).

NM_015089.4(CUL9):c.525A>G (p.Leu175=)

Gene: CUL9 (cullin 9; plus strand). Cytogenetic location: 6p21.1.
Variant type: single nucleotide variant.
Coding change: c.525A>G on transcript NM_015089.4 (MANE Select); coding-DNA position 525, A replaced by G.
Protein change: p.Leu175=; no amino-acid change (leucine 175 retained).
Molecular consequence: synonymous variant.
Genome position (GRCh38, 1-based): chr6:43,184,835, A>G. VCF-style: chr6-43184835-A-G. GRCh37 (hg19) VCF-style: chr6-43152573-A-G.
Identifiers: ClinVar variation 3060146 (VCV003060146.2), dbSNP rs9472022, ClinGen allele CA3817078.